The following is an entry in ClinVar:

ClinVar aggregate classification (germline): Conflicting classifications of pathogenicity. Review status: criteria provided, conflicting classifications (1 of 4 stars). 2 submissions from 2 submitters: Uncertain significance (1); Likely benign (1). Last evaluated 2022-11-19.

Conditions:
Primary ciliary dyskinesia. Also called: Ciliary dyskinesia. Identifiers: Orphanet 244, MedGen C0008780, MONDO:0016575, HP:0012265.

Allele frequency attached by ClinVar (database versions not stated): ExAC 0.00004; gnomAD exomes 0.00004; TOPMed 0.00008; gnomAD 0.00010; 1000 Genomes Project 30x 0.00016; 1000 Genomes Project 0.00020.
gnomAD v4.1: 40 of 1,613,670 alleles (0.0025%); highest among the groups gnomAD compares: African/African-American, 0.021%; no homozygotes.

Submissions (2):

Ambry Genetics
Classification: Likely benign for Primary ciliary dyskinesia. Last evaluated: 2022-11-19. Review status: criteria provided, single submitter. Criteria: Ambry Variant Classification Scheme 2023. Collection method: clinical testing. Allele origin: germline.

Labcorp Genetics (formerly Invitae), Labcorp
Classification: Uncertain significance for Primary ciliary dyskinesia. Last evaluated: 2022-07-25. Review status: criteria provided, single submitter. Criteria: Invitae Variant Classification Sherloc (09022015). Collection method: clinical testing. Allele origin: germline.
Comment: This sequence change replaces serine, which is neutral and polar, with leucine, which is neutral and non-polar, at codon 355 of the CCDC114 protein (p.Ser355Leu). This variant is present in population databases (rs201978870, gnomAD 0.02%). This variant has not been reported in the literature in individuals affected with CCDC114-related conditions. ClinVar contains an entry for this variant (Variation ID: 655876). Algorithms developed to predict the effect of missense changes on protein structure and function output the following: SIFT: "Tolerated"; PolyPhen-2: "Benign"; Align-GVGD: "Class C0". The leucine amino acid residue is found in multiple mammalian species, which suggests that this missense change does not adversely affect protein function. In summary, the available evidence is currently insufficient to determine the role of this variant in disease. Therefore, it has been classified as a Variant of Uncertain Significance.

NM_001364171.2(ODAD1):c.1175C>T (p.Ser392Leu)

Gene: ODAD1 (outer dynein arm docking complex subunit 1; minus strand). Cytogenetic location: 19q13.33.
Variant type: single nucleotide variant.
Coding change: c.1175C>T on transcript NM_001364171.2 (MANE Select); coding-DNA position 1175, C replaced by T.
Protein change: p.Ser392Leu; replaces serine 392 with leucine.
Molecular consequence: missense variant.
Genome position (GRCh38, 1-based): chr19:48,302,759, G>A on the plus strand (C>T on the coding strand, the complement: ODAD1 is on the minus strand). VCF-style: chr19-48302759-G-A. GRCh37 (hg19) VCF-style: chr19-48806016-G-A.
Other names: c.1064C>T, p.Ser355Leu (NM_144577.4); short protein forms S392L, S355L.
Identifiers: ClinVar variation 655876 (VCV000655876.8), dbSNP rs201978870, ClinGen allele CA9548795.
Genomic context (GRCh38, chr19:48,302,759, plus strand): 5'-TTGAGCTTCTCCAGCTGTCCCCGCACATCCTGGAAGCGGGCCTCAAGGCGCTCAGCCTCC[G>A]AGTGCACCTTGTCCATGCGCTGCTGCAACACCTTCTGCTGCTGCTCCTGCAGCAAATGCT-3'
Protein context (NP_001351100.1, residues 382-402): VLQQRMDKVH[Ser392Leu]EAERLEARFQ